The following is an entry in ClinVar:

ClinVar aggregate classification (germline): Conflicting classifications of pathogenicity. Review status: criteria provided, conflicting classifications (1 of 4 stars). 4 submissions from 4 submitters: Likely pathogenic (1); Uncertain significance (2). 1 of the submissions does not count toward it. Last evaluated 2026-01-26.

Conditions:
Megaconial type congenital muscular dystrophy (MDCMC). Also called: MUSCULAR DYSTROPHY, CONGENITAL, WITH MITOCHONDRIAL STRUCTURAL ABNORMALITIES; CHKB-Related Muscle Diseases; CHKB-Related Muscular Dystrophy. Identifiers: Orphanet 280671, MedGen C1865233, MONDO:0011246, OMIM 602541.

Allele frequency attached by ClinVar (database versions not stated): gnomAD exomes below 0.00001 and 0.00002; gnomAD 0.00001; TOPMed 0.00001; ExAC 0.00002.

Submissions (4):

Medical and Scientific Branch, Hong Kong Genome Institute
Classification: Likely pathogenic for Megaconial type congenital muscular dystrophy. Last evaluated: 2026-01-26. Review status: criteria provided, single submitter. Criteria: ACMG Guidelines, 2015. Collection method: clinical testing. Allele origin: biparental. Affected: yes.

Labcorp Genetics (formerly Invitae), Labcorp
Classification: Uncertain significance for Megaconial type congenital muscular dystrophy. Last evaluated: 2024-03-06. Review status: criteria provided, single submitter. Criteria: Invitae Variant Classification Sherloc (09022015). Collection method: clinical testing. Allele origin: germline.
Comment: This sequence change replaces arginine, which is basic and polar, with cysteine, which is neutral and slightly polar, at codon 314 of the CHKB protein (p.Arg314Cys). This variant is present in population databases (rs200919604, gnomAD 0.002%). This missense change has been observed in individual(s) with clinical features of congenital muscular dystrophy (Invitae). ClinVar contains an entry for this variant (Variation ID: 342169). Advanced modeling of protein sequence and biophysical properties (such as structural, functional, and spatial information, amino acid conservation, physicochemical variation, residue mobility, and thermodynamic stability) has been performed at Invitae for this missense variant, however the output from this modeling did not meet the statistical confidence thresholds required to predict the impact of this variant on CHKB protein function. Algorithms developed to predict the effect of sequence changes on RNA splicing suggest that this variant may disrupt the consensus splice site. In summary, the available evidence is currently insufficient to determine the role of this variant in disease. Therefore, it has been classified as a Variant of Uncertain Significance.

Illumina Laboratory Services, Illumina
Classification: Uncertain significance for Megaconial type congenital muscular dystrophy. Last evaluated: 2018-01-12. Review status: criteria provided, single submitter. Criteria: ICSL Variant Classification Criteria 13 December 2019. Collection method: clinical testing. Allele origin: germline.

Foundation for Research in Genetics and Endocrinology, FRIGE's Institute of Human Genetics
Classification: Likely pathogenic for Megaconial type congenital muscular dystrophy. Last evaluated: 2016-10-27. Review status: no assertion criteria provided. Collection method: clinical testing. Allele origin: germline. Inheritance: Autosomal recessive inheritance. Affected: yes. Observed: 1 variant allele, 1 homozygote. Not counted in ClinVar's aggregate classification.
Comment: The observed mutation is not reported in 1000 Genomes and ExAC databases. The dbSNP reference number for the observed mutation is rs200919604. The in silico prediction of the mutation is damaging by SIFT and mutation Taster2 and benign by Polyphen2.

NM_005198.5(CHKB):c.940C>T (p.Arg314Cys)

Genes: CHKB-CPT1B (CHKB-CPT1B readthrough (NMD candidate); minus strand), CHKB (choline kinase beta; minus strand). Cytogenetic location: 22q13.33.
Variant type: single nucleotide variant.
Coding change: c.940C>T on transcript NM_005198.5 (MANE Select); coding-DNA position 940, C replaced by T.
Protein change: p.Arg314Cys; replaces arginine 314 with cysteine.
Molecular consequence: missense variant. On other transcripts: non-coding transcript variant (1).
Genome position (GRCh38, 1-based): chr22:50,579,818, G>A on the plus strand (C>T on the coding strand, the complement: CHKB is on the minus strand). VCF-style: chr22-50579818-G-A. GRCh37 (hg19) VCF-style: chr22-51018247-G-A.
Other names: short protein forms R314C.
Identifiers: ClinVar variation 342169 (VCV000342169.13), dbSNP rs200919604, ClinGen allele CA10323564.